The following is an entry in ClinVar:

ClinVar aggregate classification (germline): Uncertain significance (1 of 4 stars; one submission).

Allele frequency attached by ClinVar (database versions not stated): gnomAD exomes 0.00003.
gnomAD v4.1: 48 of 1,610,090 alleles (0.003%); highest among the groups gnomAD compares: Non-Finnish European, 0.004%; no homozygotes.

Submission:

Labcorp Genetics (formerly Invitae), Labcorp
Classification: Uncertain significance. Last evaluated: 2023-07-10. Review status: criteria provided, single submitter. Criteria: Invitae Variant Classification Sherloc (09022015). Collection method: clinical testing. Allele origin: germline.
Comment: In summary, the available evidence is currently insufficient to determine the role of this variant in disease. Therefore, it has been classified as a Variant of Uncertain Significance. An algorithm developed to predict the effect of missense changes on protein structure and function (PolyPhen-2) suggests that this variant is likely to be disruptive. This variant has not been reported in the literature in individuals affected with TOP2B-related conditions. The frequency data for this variant in the population databases is considered unreliable, as metrics indicate poor data quality at this position in the gnomAD database. This sequence change replaces arginine, which is basic and polar, with cysteine, which is neutral and slightly polar, at codon 651 of the TOP2B protein (p.Arg651Cys).

NM_001330700.2(TOP2B):c.1966C>T (p.Arg656Cys)

Gene: TOP2B (DNA topoisomerase II beta; minus strand). Cytogenetic location: 3p24.2.
Variant type: single nucleotide variant.
Coding change: c.1966C>T on transcript NM_001330700.2 (MANE Select); coding-DNA position 1966, C replaced by T.
Protein change: p.Arg656Cys; replaces arginine 656 with cysteine.
Molecular consequence: missense variant.
Genome position (GRCh38, 1-based): chr3:25,627,237, G>A on the plus strand (C>T on the coding strand, the complement: TOP2B is on the minus strand). VCF-style: chr3-25627237-G-A. GRCh37 (hg19) VCF-style: chr3-25668728-G-A.
Other names: c.1951C>T, p.Arg651Cys (NM_001068.3); short protein forms R651C, R656C.
Identifiers: ClinVar variation 2968049 (VCV002968049.3), dbSNP rs1173166728, ClinGen allele CA351906496.